The following is an entry in ClinVar:

ClinVar aggregate classification (germline): Pathogenic (1 of 4 stars; one submission).

Conditions:
3-methylcrotonyl-CoA carboxylase 1 deficiency (MCC1D). Also called: MCCD TYPE 1; METHYLCROTONYLGLYCINURIA TYPE I; MCC 1 deficiency; 3 Alpha methylcrotonylglycinuria 1. Identifiers: Orphanet 6, MedGen CN028786, MONDO:0008861, OMIM 210200.

Submission:

Labcorp Genetics (formerly Invitae), Labcorp
Classification: Pathogenic for 3-methylcrotonyl-CoA carboxylase 1 deficiency. Last evaluated: 2019-07-11. Review status: criteria provided, single submitter. Criteria: Invitae Variant Classification Sherloc (09022015). Collection method: clinical testing. Allele origin: germline.
Comment: This sequence change creates a premature translational stop signal (p.Gln646Argfs*5) in the MCCC1 gene. It is expected to result in an absent or disrupted protein product. This variant is not present in population databases (ExAC no frequency). This variant has not been reported in the literature in individuals with MCCC1-related conditions. Loss-of-function variants in MCCC1 are known to be pathogenic (PMID: 11181649, 15359379, 22642865). For these reasons, this variant has been classified as Pathogenic.

Literature cited by the submitters: PubMed 11181649; PubMed 15359379; PubMed 22642865.

NM_020166.5(MCCC1):c.1937del (p.Gln646fs)

Gene: MCCC1 (methylcrotonyl-CoA carboxylase subunit 1; minus strand). Cytogenetic location: 3q27.1.
Variant type: Deletion.
Coding change: c.1937del on transcript NM_020166.5 (MANE Select); coding-DNA position 1937, one base deleted (A; older notation c.1937delA).
Protein change: p.Gln646fs; shifts the reading frame from glutamine 646.
Molecular consequence: frameshift variant. On other transcripts: non-coding transcript variant (2).
Genome position (GRCh38, 1-based): chr3:183,020,170, T deleted on the plus strand (A on the coding strand, the reverse complement: MCCC1 is on the minus strand). VCF-style (leftmost placement, unchanged base first): chr3-183020169-CT-C. GRCh37 (hg19) VCF-style: chr3-182737957-CT-C.
Other names: c.1586del, p.Gln529fs (NM_001293273.2); c.1610del, p.Gln537fs (NM_001363880.1); short protein forms Q537fs, Q529fs, Q646fs.
Identifiers: ClinVar variation 954105 (VCV000954105.7), dbSNP rs1712031289, ClinGen allele CA1139658365.